The following is an entry in ClinVar:

NM_022124.6(CDH23):c.9916A>C (p.Lys3306Gln)

Gene: CDH23 (cadherin related 23; plus strand). Cytogenetic location: 10q22.1.
Variant type: single nucleotide variant.
Coding change: c.9916A>C on transcript NM_022124.6 (MANE Select); coding-DNA position 9916, A replaced by C.
Protein change: p.Lys3306Gln; replaces lysine 3306 with glutamine.
Molecular consequence: missense variant.
Genome position (GRCh38, 1-based): chr10:71,815,129, A>C. VCF-style: chr10-71815129-A-C. GRCh37 (hg19) VCF-style: chr10-73574886-A-C.
Other names: c.3196A>C, p.Lys1066Gln (NM_001171933.1); c.3091A>C, p.Lys1031Gln (NM_001171934.1); c.607A>C, p.Lys203Gln (NM_001171935.1); c.502A>C, p.Lys168Gln (NM_001171936.1); short protein forms K1031Q, K1066Q, K168Q, K3306Q, K203Q.
Identifiers: ClinVar variation 970458 (VCV000970458.10), dbSNP rs760459028, ClinGen allele CA5547209.

ClinVar aggregate classification (germline): Uncertain significance (1 of 4 stars; one submission).

Allele frequency attached by ClinVar (database versions not stated): gnomAD exomes below 0.00001; ExAC 0.00001.

Submission:

Labcorp Genetics (formerly Invitae), Labcorp
Classification: Uncertain significance. Last evaluated: 2022-07-26. Review status: criteria provided, single submitter. Criteria: Invitae Variant Classification Sherloc (09022015). Collection method: clinical testing. Allele origin: germline.
Comment: This sequence change replaces lysine, which is basic and polar, with glutamine, which is neutral and polar, at codon 3306 of the CDH23 protein (p.Lys3306Gln). This variant is present in population databases (rs760459028, gnomAD 0.007%). This variant has not been reported in the literature in individuals affected with CDH23-related conditions. ClinVar contains an entry for this variant (Variation ID: 970458). Algorithms developed to predict the effect of missense changes on protein structure and function are either unavailable or do not agree on the potential impact of this missense change (SIFT: "Deleterious"; PolyPhen-2: "Not Available"; Align-GVGD: "Class C0"). In summary, the available evidence is currently insufficient to determine the role of this variant in disease. Therefore, it has been classified as a Variant of Uncertain Significance.